The following is an entry in ClinVar:

NM_000138.5(FBN1):c.6037+11_6037+12delinsCT

Gene: FBN1 (fibrillin 1; minus strand). Cytogenetic location: 15q21.1.
Variant type: Indel.
Coding change: c.6037+11_6037+12delinsCT on transcript NM_000138.5 (MANE Select); bases 11 to 12 of the intron after coding-DNA position 6037, TA replaced by CT.
Molecular consequence: intron variant.
Genome position (GRCh38, 1-based): chr15:48,444,529-48,444,530, TA replaced by AG on the plus strand (TA replaced by CT on the coding strand, the reverse complement: FBN1 is on the minus strand). VCF-style: chr15-48444529-TA-AG. GRCh37 (hg19) VCF-style: chr15-48736726-TA-AG.
Other names: c.6037+11_6037+12delinsCT (NM_001406716.1).
Identifiers: ClinVar variation 2927244 (VCV002927244.3), dbSNP rs2505451665, ClinGen allele CA2740096632.

ClinVar aggregate classification (germline): Uncertain significance (1 of 4 stars; one submission).

Conditions:
Marfan syndrome (MFS). Also called: MARFAN SYNDROME, TYPE I; Marfan syndrome type 1; Marfan's syndrome; Marfan syndrome, classic; FBN1-Related Marfan Syndrome. Identifiers: Orphanet 284963, Orphanet 558, MedGen C0024796, MONDO:0007947, OMIM 154700.
Familial thoracic aortic aneurysm and aortic dissection (TAAD). Also called: Thoracic aortic aneurysms and dissections. Identifiers: Orphanet 91387, MedGen C4707243, MONDO:0019625.

Submission:

Labcorp Genetics (formerly Invitae), Labcorp
Classification: Uncertain significance for Marfan syndrome; Familial thoracic aortic aneurysm and aortic dissection. Last evaluated: 2025-01-30. Review status: criteria provided, single submitter. Criteria: Invitae Variant Classification Sherloc (09022015). Collection method: clinical testing. Allele origin: germline.
Comment: This sequence change falls in intron 49 of the FBN1 gene. It does not directly change the encoded amino acid sequence of the FBN1 protein. Information on the frequency of this variant in the gnomAD database is not available, as this variant may be reported differently in the database. This variant has not been reported in the literature in individuals affected with FBN1-related conditions. ClinVar contains an entry for this variant (Variation ID: 2927244). Experimental studies and prediction algorithms are not available or were not evaluated, and the effect of this variant on mRNA splicing is currently unknown. In summary, the available evidence is currently insufficient to determine the role of this variant in disease. Therefore, it has been classified as a Variant of Uncertain Significance.